The following is an entry in ClinVar:

NM_001378615.1(CC2D2A):c.3313G>A (p.Val1105Ile)

Genes: CC2D2A (coiled-coil and C2 domain containing 2A; plus strand), FBXL5 (F-box and leucine rich repeat protein 5; minus strand). Cytogenetic location: 4p15.32.
Variant type: single nucleotide variant.
Coding change: c.3313G>A on transcript NM_001378615.1 (MANE Select); coding-DNA position 3313, G replaced by A.
Protein change: p.Val1105Ile; replaces valine 1105 with isoleucine.
Molecular consequence: missense variant.
Genome position (GRCh38, 1-based): chr4:15,567,701, G>A. VCF-style: chr4-15567701-G-A. GRCh37 (hg19) VCF-style: chr4-15569324-G-A.
Other names: c.3313G>A, p.Val1105Ile (NM_001080522.2); c.3166G>A, p.Val1056Ile (NM_001378617.1); short protein forms V1105I, V1056I.
Identifiers: ClinVar variation 1965024 (VCV001965024.6), dbSNP rs976493925, ClinGen allele CA92515598.

ClinVar aggregate classification (germline): Uncertain significance. Review status: criteria provided, multiple submitters, no conflicts (2 of 4 stars). 4 submissions from 4 submitters: Uncertain significance (3). 1 of the submissions does not count toward it. Last evaluated 2026-01-05.

Conditions:
Retinitis pigmentosa 93. Identifiers: MedGen C5676970, MONDO:0030797, OMIM 619845.
COACH syndrome 2. Identifiers: MedGen C5436837, MONDO:0030859, OMIM 619111.
Meckel syndrome, type 6. Identifiers: Orphanet 564, MedGen C2676790, MONDO:0012848, OMIM 612284.
Joubert syndrome 9 (JBTS9). Identifiers: Orphanet 2318, MedGen C2676788, MONDO:0012849, OMIM 612285.
Joubert syndrome. Also called: Familial aplasia of the vermis; JOUBERT-BOLTSHAUSER SYNDROME. Identifiers: Orphanet 475, MedGen C5979921, MONDO:0018772.
Meckel-Gruber syndrome. Also called: Dysencephalia splachnocystica; DYSENCEPHALIA SPLANCHNOCYSTICA; GRUBER SYNDROME. Identifiers: Orphanet 564, MedGen C0265215, MONDO:0018921.
CC2D2A-related disorder. Also called: CC2D2A-related disorders; CC2D2A-related condition. Identifiers: MedGen CN239313.
Inborn genetic diseases. Identifiers: MedGen C0950123, MeSH D030342.

Allele frequency attached by ClinVar (database versions not stated): gnomAD 0.00003; TOPMed 0.00009.
gnomAD v4.1: 11 of 1,605,050 alleles (0.00069%); highest among the groups gnomAD compares: Admixed American, 0.014%; no homozygotes.

Submissions (4):

Labcorp Genetics (formerly Invitae), Labcorp
Classification: Uncertain significance for Joubert syndrome; Meckel-Gruber syndrome. Last evaluated: 2026-01-05. Review status: criteria provided, single submitter. Criteria: Invitae Variant Classification Sherloc (09022015). Collection method: clinical testing. Allele origin: germline.
Comment: This sequence change replaces valine, which is neutral and non-polar, with isoleucine, which is neutral and non-polar, at codon 1105 of the CC2D2A protein (p.Val1105Ile). The frequency data for this variant in the population databases is considered unreliable, as metrics indicate poor data quality at this position in the gnomAD database. This variant has not been reported in the literature in individuals affected with CC2D2A-related conditions. ClinVar contains an entry for this variant (Variation ID: 1965024). Invitae Evidence Modeling of protein sequence and biophysical properties (such as structural, functional, and spatial information, amino acid conservation, physicochemical variation, residue mobility, and thermodynamic stability) has been performed for this missense variant. However, the output from this modeling did not meet the statistical confidence thresholds required to predict the impact of this variant on CC2D2A protein function. In summary, the available evidence is currently insufficient to determine the role of this variant in disease. Therefore, it has been classified as a Variant of Uncertain Significance.

Ambry Genetics
Classification: Uncertain significance for Inborn genetic diseases. Last evaluated: 2024-07-02. Review status: criteria provided, single submitter. Criteria: Ambry Variant Classification Scheme 2023. Collection method: clinical testing. Allele origin: germline.

Fulgent Genetics
Classification: Uncertain significance for Meckel syndrome, type 6; Joubert syndrome 9; COACH syndrome 2; Retinitis pigmentosa 93. Last evaluated: 2024-05-30. Review status: criteria provided, single submitter. Criteria: ACMG Guidelines, 2015. Collection method: clinical testing. Allele origin: germline.

PreventionGenetics, part of Exact Sciences
Classification: Uncertain significance for CC2D2A-related condition. Last evaluated: 2024-06-21. Review status: no assertion criteria provided. Collection method: clinical testing. Allele origin: germline. Not counted in ClinVar's aggregate classification.
Comment: The CC2D2A c.3313G>A variant is predicted to result in the amino acid substitution p.Val1105Ile. To our knowledge, this variant has not been reported in the literature. This variant is reported in 0.0032% of alleles in individuals of Latino descent in gnomAD. At this time, the clinical significance of this variant is uncertain due to the absence of conclusive functional and genetic evidence.